The following is an entry in ClinVar:

ClinVar aggregate classification (germline): Uncertain significance (0 of 4 stars; one submission).

Conditions:
KANK1-related disorder. Also called: KANK1-related condition.

gnomAD v4.1: 6 of 1,614,032 alleles (0.00037%); highest among the groups gnomAD compares: Non-Finnish European, 0.00051%; no homozygotes.

Submission:

PreventionGenetics, part of Exact Sciences
Classification: Uncertain significance for KANK1-related condition. Last evaluated: 2023-12-29. Review status: no assertion criteria provided. Collection method: clinical testing. Allele origin: germline.
Comment: The KANK1 c.1576A>T variant is predicted to result in the amino acid substitution p.Met526Leu. To our knowledge, this variant has not been reported in the literature or in a large population database, indicating this variant is rare. At this time, the clinical significance of this variant is uncertain due to the absence of conclusive functional and genetic evidence.

NM_015158.5(KANK1):c.1576A>T (p.Met526Leu)

Gene: KANK1 (KN motif and ankyrin repeat domains 1; plus strand). Cytogenetic location: 9p24.3.
Variant type: single nucleotide variant.
Coding change: c.1576A>T on transcript NM_015158.5 (MANE Select); coding-DNA position 1576, A replaced by T.
Protein change: p.Met526Leu; replaces methionine 526 with leucine.
Molecular consequence: missense variant. On other transcripts: non-coding transcript variant (1).
Genome position (GRCh38, 1-based): chr9:712,342, A>T. VCF-style: chr9-712342-A-T. GRCh37 (hg19) VCF-style: chr9-712342-A-T.
Other names: c.1576A>T, p.Met526Leu (NM_001256876.3, NM_001256877.3, NM_001354331.2 and 2 more transcripts); c.1102A>T, p.Met368Leu (NM_001354333.2, NM_001354335.2, NM_001354336.2 and 9 more transcripts); short protein forms M368L, M526L.
Identifiers: ClinVar variation 3030011 (VCV003030011.2), dbSNP rs773803984, ClinGen allele CA187837312.